The following is an entry in ClinVar:

ClinVar aggregate classification (germline): Likely pathogenic (1 of 4 stars; one submission).

Conditions:
Dilated cardiomyopathy 1G (CMD1G). Identifiers: Orphanet 154, MedGen C1858763, MONDO:0011400, OMIM 604145.
Autosomal recessive limb-girdle muscular dystrophy type 2J (LGMDR10). Also called: Limb-girdle muscular dystrophy, type 2J; MUSCULAR DYSTROPHY, LIMB-GIRDLE, AUTOSOMAL RECESSIVE 10. Identifiers: Orphanet 140922, MedGen C1837342, MONDO:0012127, OMIM 608807.

Submission:

Labcorp Genetics (formerly Invitae), Labcorp
Classification: Likely pathogenic for Dilated cardiomyopathy 1G; Autosomal recessive limb-girdle muscular dystrophy type 2J. Last evaluated: 2024-08-06. Review status: criteria provided, single submitter. Criteria: Invitae Variant Classification Sherloc (09022015). Collection method: clinical testing. Allele origin: germline.
Comment: This sequence change creates a premature translational stop signal (p.Phe16410*) in the TTN gene. While this is not anticipated to result in nonsense mediated decay, it is expected to create a truncated TTN protein. This variant is not present in population databases (gnomAD no frequency). This variant has not been reported in the literature in individuals affected with TTN-related conditions. This variant is located in the A band of TTN (PMID: 25589632). Truncating variants in this region are significantly overrepresented in patients affected with dilated cardiomyopathy (PMID: 25589632). Truncating variants in this region have also been reported in individuals affected with autosomal recessive centronuclear myopathy (PMID: 23975875). In summary, the currently available evidence indicates that the variant is pathogenic, but additional data are needed to prove that conclusively. Therefore, this variant has been classified as Likely Pathogenic.

Literature cited by the submitters: PubMed 25589632; PubMed 23975875.

NM_001267550.2(TTN):c.49226_49227insTTAATCCCCAATAAAGATTGGTGG (p.Asn16409_Phe16410insTer)

Genes: TTN-AS1 (TTN antisense RNA 1; plus strand), TTN (titin; minus strand), LOC126806426 (BRD4-independent group 4 enhancer GRCh37_chr2:179478848-179480047; plus strand). Cytogenetic location: 2q31.2.
Variant type: Insertion.
Coding change: c.49226_49227insTTAATCCCCAATAAAGATTGGTGG on transcript NM_001267550.2 (MANE Select); coding-DNA positions 49226 to 49227, TTAATCCCCAATAAAGATTGGTGG inserted.
Protein change: p.Asn16409_Phe16410insTer.
Molecular consequence: nonsense, inframe insertion. On other transcripts: non-coding transcript variant (1).
Genome position: GRCh38 VCF-style: chr2-178614170-G-GCCACCAATCTTTATTGGGGATTAA. GRCh37 (hg19) VCF-style: chr2-179478897-G-GCCACCAATCTTTATTGGGGATTAA.
Other names: c.44303_44304insTTAATCCCCAATAAAGATTGGTGG, p.Asn14768_Phe14769insTer (NM_001256850.1); c.22031_22032insTTAATCCCCAATAAAGATTGGTGG, p.Asn7344_Phe7345insTer (NM_003319.4); c.41522_41523insTTAATCCCCAATAAAGATTGGTGG, p.Asn13841_Phe13842insTer (NM_133378.4); c.22406_22407insTTAATCCCCAATAAAGATTGGTGG, p.Asn7469_Phe7470insTer (NM_133432.3); c.22607_22608insTTAATCCCCAATAAAGATTGGTGG, p.Asn7536_Phe7537insTer (NM_133437.4).
Identifiers: ClinVar variation 3757556 (VCV003757556.2).
Genomic context (GRCh38, chr2:178,614,170, plus strand): 5'-GTTTTCTGCAGCAACTCTGAAGATGTACTCTTTATTGGGGATTAATTTGGTGGCCTTGAA[G>GCCACCAATCTTTATTGGGGATTAA]TTTGTATCCTTGACGGTGGATGAGAGCTTGTGCCACACTTCACTATCAGTTGCTCGTCTC-3'